The following is an entry in ClinVar:

NM_000053.4(ATP7B):c.532_535del (p.Leu178fs)

Gene: ATP7B (ATPase copper transporting beta; minus strand). Cytogenetic location: 13q14.3.
Variant type: Microsatellite.
Coding change: c.532_535del on transcript NM_000053.4 (MANE Select); coding-DNA positions 532 to 535, 4 bases deleted (CTCA; older notation c.532_535delCTCA).
Protein change: p.Leu178fs; shifts the reading frame from leucine 178.
Molecular consequence: frameshift variant.
Genome position (GRCh38, 1-based): chr13:51,974,685-51,974,688, TGAG deleted on the plus strand (CTCA on the coding strand, the reverse complement: ATP7B is on the minus strand); deleting any 4 consecutive bases within chr13:51,974,685-51,974,692 gives the same sequence; the c. name uses the placement nearest the transcript's 3' end. VCF-style (leftmost placement, unchanged base first): chr13-51974684-CTGAG-C. GRCh37 (hg19) VCF-style: chr13-52548820-CTGAG-C.
Other names: c.532_535del, p.Leu178fs (NM_001005918.3, NM_001243182.2, NM_001330578.2 and 1 more transcripts); short protein forms L178fs.
Identifiers: ClinVar variation 931992 (VCV000931992.3), dbSNP rs1952018459, ClinGen allele CA2091558644.
Genomic context (GRCh38, chr13:51,974,684, plus strand): 5'-TCCCTGAGGTCTTCGGGCTGAATGAGATAAGGCTGATAAGTGATGACGGCCTCTTGGTTG[CTGAG>C]TGAGACTTTGACTCTCACTACTCCTTGCAGTTTCCGGACCTTGCCTTCAATGGAGCTGAC-3'

ClinVar aggregate classification (germline): Likely pathogenic (1 of 4 stars; one submission).

Conditions:
Wilson disease (WND). Also called: Wilson's disease. Identifiers: Orphanet 905, MedGen C0019202, MONDO:0010200, OMIM 277900. Disease mechanism: loss of function.

Submission:

Centre for Mendelian Genomics, University Medical Centre Ljubljana
Classification: Likely pathogenic for Wilson disease. Last evaluated: 2016-01-01. Review status: criteria provided, single submitter. Criteria: ACMG Guidelines, 2015. Collection method: clinical testing. Allele origin: unknown. Affected: yes.
Comment: This variant was classified as: Likely pathogenic. The following ACMG criteria were applied in classifying this variant: PVS1,PM2.